The following is an entry in ClinVar:

NM_031229.4(RBCK1):c.463C>A (p.Leu155Met)

Gene: RBCK1 (RANBP2-type and C3HC4-type zinc finger containing 1; plus strand). Cytogenetic location: 20p13.
Variant type: single nucleotide variant.
Coding change: c.463C>A on transcript NM_031229.4 (MANE Select); coding-DNA position 463, C replaced by A.
Protein change: p.Leu155Met; replaces leucine 155 with methionine.
Molecular consequence: missense variant. On other transcripts: synonymous variant (2), non-coding transcript variant (1).
Genome position (GRCh38, 1-based): chr20:419,349, C>A. VCF-style: chr20-419349-C-A. GRCh37 (hg19) VCF-style: chr20-399993-C-A.
Other names: c.114C>A, p.Ile38= (NM_001323956.2, NM_001323958.2); c.337C>A, p.Leu113Met (NM_006462.6); short protein forms L113M, L155M.
Identifiers: ClinVar variation 949002 (VCV000949002.9), dbSNP rs2016220877, ClinGen allele CA407951486.

ClinVar aggregate classification (germline): Uncertain significance (1 of 4 stars; one submission).

Conditions:
Polyglucosan body myopathy type 1 (PGBM1). Also called: Polyglucosan body myopathy 1 with or without immunodeficiency; POLYGLUCOSAN BODY MYOPATHY WITHOUT IMMUNODEFICIENCY. Identifiers: Orphanet 329173, Orphanet 397937, MedGen C4014605, MONDO:0014389, OMIM 615895.

Submission:

Labcorp Genetics (formerly Invitae), Labcorp
Classification: Uncertain significance for Polyglucosan body myopathy type 1. Last evaluated: 2022-02-05. Review status: criteria provided, single submitter. Criteria: Invitae Variant Classification Sherloc (09022015). Collection method: clinical testing. Allele origin: germline.
Comment: This variant is not present in population databases (gnomAD no frequency). This sequence change replaces leucine, which is neutral and non-polar, with methionine, which is neutral and non-polar, at codon 155 of the RBCK1 protein (p.Leu155Met). This variant has not been reported in the literature in individuals affected with RBCK1-related conditions. In summary, the available evidence is currently insufficient to determine the role of this variant in disease. Therefore, it has been classified as a Variant of Uncertain Significance. Algorithms developed to predict the effect of missense changes on protein structure and function are either unavailable or do not agree on the potential impact of this missense change (SIFT: "Not Available"; PolyPhen-2: "Possibly Damaging"; Align-GVGD: "Not Available"). ClinVar contains an entry for this variant (Variation ID: 949002).